The following is an entry in ClinVar:

ClinVar aggregate classification (germline): Conflicting classifications of pathogenicity. Review status: criteria provided, conflicting classifications (1 of 4 stars). 2 submissions from 2 submitters: Uncertain significance (1); Likely benign (1). Last evaluated 2025-08-05.

Conditions:
GPBAR1-related disorder. Also called: GPBAR1-related condition.

Allele frequency attached by ClinVar (database versions not stated): gnomAD exomes 0.00001; TOPMed 0.00004; gnomAD 0.00005 and 0.00006.

Submissions (2):

PreventionGenetics, part of Exact Sciences
Classification: Likely benign for GPBAR1-related condition. Last evaluated: 2025-08-05. Review status: criteria provided, single submitter. Criteria: ACMG Guidelines, 2015. Collection method: clinical testing. Allele origin: germline.
Comment: This variant is classified as likely benign based on ACMG/AMP sequence variant interpretation guidelines (Richards et al. 2015 PMID: 25741868, with internal and published modifications).

Eurofins Ntd Llc (ga)
Classification: Uncertain significance. Last evaluated: 2018-06-19. Review status: criteria provided, single submitter. Criteria: EGL ClinVar v180209 classification definitions. Collection method: clinical testing. Allele origin: germline. Observed: 1 variant allele, 1 heterozygote.

NM_170699.3(GPBAR1):c.70C>T (p.Leu24=)

Gene: GPBAR1 (G protein-coupled bile acid receptor 1; plus strand). Cytogenetic location: 2q35.
Variant type: single nucleotide variant.
Coding change: c.70C>T on transcript NM_170699.3 (MANE Select); coding-DNA position 70, C replaced by T.
Protein change: p.Leu24=; no amino-acid change (leucine 24 retained).
Molecular consequence: synonymous variant.
Genome position (GRCh38, 1-based): chr2:218,262,794, C>T. VCF-style: chr2-218262794-C-T. GRCh37 (hg19) VCF-style: chr2-219127517-C-T.
Other names: c.70C>T (NM_001321950.1); c.70C>T, p.Leu24= (NM_001077191.2, NM_001077194.2, NM_001321950.2).
Identifiers: ClinVar variation 597676 (VCV000597676.6), dbSNP rs1242848802, ClinGen allele CA431221248.